The following is an entry in ClinVar:

NM_020745.4(AARS2):c.649C>T (p.Pro217Ser)

Gene: AARS2 (alanyl-tRNA synthetase 2, mitochondrial; minus strand). Cytogenetic location: 6p21.1.
Variant type: single nucleotide variant.
Coding change: c.649C>T on transcript NM_020745.4 (MANE Select); coding-DNA position 649, C replaced by T.
Protein change: p.Pro217Ser; replaces proline 217 with serine.
Molecular consequence: missense variant.
Genome position (GRCh38, 1-based): chr6:44,311,094, G>A on the plus strand (C>T on the coding strand, the complement: AARS2 is on the minus strand). VCF-style: chr6-44311094-G-A. GRCh37 (hg19) VCF-style: chr6-44278831-G-A.
Other names: short protein forms P217S.
Identifiers: ClinVar variation 1030727 (VCV001030727.1), dbSNP rs1786310363, ClinGen allele CA364340960.

ClinVar aggregate classification (germline): Uncertain significance (1 of 4 stars; one submission).

Conditions:
Combined oxidative phosphorylation defect type 8. Also called: CARDIOMYOPATHY, HYPERTROPHIC MITOCHONDRIAL, FATAL INFANTILE. Identifiers: Orphanet 319504, MedGen C4518839, MONDO:0013570, OMIM 614096.

Submission:

Baylor Genetics
Classification: Uncertain significance for Combined oxidative phosphorylation defect type 8. Last evaluated: 2020-07-27. Review status: criteria provided, single submitter. Criteria: ACMG Guidelines, 2015. Collection method: clinical testing. Allele origin: unknown. Affected: yes.
Comment: This variant was determined to be of uncertain significance according to ACMG Guidelines, 2015 [PMID:25741868].